The following is an entry in ClinVar:

NM_017636.4(TRPM4):c.2646-2A>T

Gene: TRPM4 (transient receptor potential cation channel subfamily M member 4; plus strand). Cytogenetic location: 19q13.33.
Variant type: single nucleotide variant.
Coding change: c.2646-2A>T on transcript NM_017636.4 (MANE Select); the canonical splice acceptor site of the intron before coding-DNA position 2646, A replaced by T.
Molecular consequence: splice acceptor variant.
Genome position (GRCh38, 1-based): chr19:49,200,298, A>T. VCF-style: chr19-49200298-A-T. GRCh37 (hg19) VCF-style: chr19-49703555-A-T.
Other names: c.2211-2A>T (NM_001195227.2); c.1038-2A>T (NM_001321282.2); c.2301-2A>T (NM_001321281.2); c.2124-2A>T (NM_001321283.2); c.1584-2A>T (NM_001321285.2).
Identifiers: ClinVar variation 3462150 (VCV003462150.3).

ClinVar aggregate classification (germline): Uncertain significance. Review status: criteria provided, multiple submitters, no conflicts (2 of 4 stars). 2 submissions from 2 submitters: Uncertain significance (2). Last evaluated 2025-01-07.

Conditions:
Progressive familial heart block type IB (PFHB1B). Identifiers: Orphanet 871, MedGen C1970298, MONDO:0011474, OMIM 604559.
Cardiovascular phenotype. Identifiers: MedGen CN230736.

gnomAD v4.1: 2 of 1,613,966 alleles (0.00012%); highest among the groups gnomAD compares: African/African-American, 0.0027%; no homozygotes.

Submissions (2):

Labcorp Genetics (formerly Invitae), Labcorp
Classification: Uncertain significance for Progressive familial heart block type IB. Last evaluated: 2025-01-07. Review status: criteria provided, single submitter. Criteria: Invitae Variant Classification Sherloc (09022015). Collection method: clinical testing. Allele origin: germline.
Comment: This sequence change affects an acceptor splice site in intron 17 of the TRPM4 gene. It is expected to disrupt RNA splicing. Variants that disrupt the donor or acceptor splice site typically lead to a loss of protein function (PMID: 16199547), however the current clinical and genetic evidence is not sufficient to establish whether loss-of-function variants in TRPM4 cause disease. This variant is not present in population databases (gnomAD no frequency). This variant has not been reported in the literature in individuals affected with TRPM4-related conditions. Algorithms developed to predict the effect of sequence changes on RNA splicing suggest that this variant may disrupt the consensus splice site. In summary, the available evidence is currently insufficient to determine the role of this variant in disease. Therefore, it has been classified as a Variant of Uncertain Significance.

Ambry Genetics
Classification: Uncertain significance for Cardiovascular phenotype. Last evaluated: 2024-10-15. Review status: criteria provided, single submitter. Criteria: Ambry Variant Classification Scheme 2023. Collection method: clinical testing. Allele origin: germline.
Comment: The c.2646-2A>T intronic variant results from an A to T substitution two nucleotides before coding exon 18 in the TRPM4 gene. This nucleotide position is highly conserved in available vertebrate species. In silico splice site analysis predicts that this alteration will weaken the native splice acceptor site. Alterations that disrupt the canonical splice site are expected to cause aberrant splicing, resulting in an abnormal protein or a transcript that is subject to nonsense-mediated mRNA decay. However, loss of function of TRPM4 has not been established as a mechanism of disease. Based on the available evidence, the clinical significance of this alteration remains unclear.

Literature cited by the submitters: PubMed 16199547 (cited by Labcorp Genetics (formerly Invitae), Labcorp).